The following is an entry in ClinVar:

ClinVar aggregate classification (germline): Uncertain significance (1 of 4 stars; one submission).

Conditions:
Ataxia-telangiectasia syndrome (AT). Also called: ATAXIA-TELANGIECTASIA, COMPLEMENTATION GROUP A; ATAXIA-TELANGIECTASIA, FRESNO VARIANT; Ataxia-telangiectasia; Ataxia-telangiectasia, complementation group D; AT, COMPLEMENTATION GROUP C; Ataxia-telangiectasia, complementation group E. Identifiers: Orphanet 100, MedGen C0004135, MONDO:0008840, OMIM 208900.

Submission:

Labcorp Genetics (formerly Invitae), Labcorp
Classification: Uncertain significance for Ataxia-telangiectasia syndrome. Last evaluated: 2019-01-20. Review status: criteria provided, single submitter. Criteria: Invitae Variant Classification Sherloc (09022015). Collection method: clinical testing. Allele origin: germline.
Comment: This variant is not present in population databases (ExAC no frequency). This sequence change replaces serine with threonine at codon 2329 of the ATM protein (p.Ser2329Thr). The serine residue is weakly conserved and there is a small physicochemical difference between serine and threonine. This variant has not been reported in the literature in individuals with ATM-related conditions. In summary, the available evidence is currently insufficient to determine the role of this variant in disease. Therefore, it has been classified as a Variant of Uncertain Significance. Algorithms developed to predict the effect of missense changes on protein structure and function output the following: SIFT: "Tolerated"; PolyPhen-2: "Benign"; Align-GVGD: "Class C0". The threonine amino acid residue is found in multiple mammalian species, suggesting that this missense change does not adversely affect protein function. These predictions have not been confirmed by published functional studies and their clinical significance is uncertain.

NM_000051.4(ATM):c.6986G>C (p.Ser2329Thr)

Genes: ATM (ATM serine/threonine kinase; plus strand), C11orf65 (chromosome 11 open reading frame 65; minus strand). Cytogenetic location: 11q22.3.
Variant type: single nucleotide variant.
Coding change: c.6986G>C on transcript NM_000051.4 (MANE Select); coding-DNA position 6986, G replaced by C.
Protein change: p.Ser2329Thr; replaces serine 2329 with threonine.
Molecular consequence: missense variant. On other transcripts: intron variant (2).
Genome position (GRCh38, 1-based): chr11:108,327,655, G>C. VCF-style: chr11-108327655-G-C. GRCh37 (hg19) VCF-style: chr11-108198382-G-C.
Other names: c.6986G>C, p.Ser2329Thr (NM_001351834.2); c.641-18584C>G (NM_001330368.2); c.*38+7565C>G (NM_001351110.2); short protein forms S2329T.
Identifiers: ClinVar variation 860092 (VCV000860092.10), dbSNP rs2085810826, ClinGen allele CA382557786.